The following is an entry in ClinVar:

NM_001369268.1(ACAN):c.2266G>C (p.Gly756Arg)

Gene: ACAN (aggrecan; plus strand). Cytogenetic location: 15q26.1.
Variant type: single nucleotide variant.
Coding change: c.2266G>C on transcript NM_001369268.1 (MANE Select); coding-DNA position 2266, G replaced by C.
Protein change: p.Gly756Arg; replaces glycine 756 with arginine.
Molecular consequence: missense variant.
Genome position (GRCh38, 1-based): chr15:88,852,033, G>C. VCF-style: chr15-88852033-G-C. GRCh37 (hg19) VCF-style: chr15-89395264-G-C.
Other names: c.2266G>C, p.Gly756Arg (NM_001135.4, NM_001411096.1, NM_001411097.1 and 1 more transcripts); short protein forms G756R.
Identifiers: ClinVar variation 3613694 (VCV003613694.1).

ClinVar aggregate classification (germline): Likely pathogenic (1 of 4 stars; one submission).

Submission:

Labcorp Genetics (formerly Invitae), Labcorp
Classification: Likely pathogenic. Last evaluated: 2024-07-23. Review status: criteria provided, single submitter. Criteria: Invitae Variant Classification Sherloc (09022015). Collection method: clinical testing. Allele origin: germline.
Comment: This sequence change replaces glycine, which is neutral and non-polar, with arginine, which is basic and polar, at codon 756 of the ACAN protein (p.Gly756Arg). This variant also falls at the last nucleotide of exon 11, which is part of the consensus splice site for this exon. This variant is not present in population databases (gnomAD no frequency). This missense change has been observed in individuals with clinical features of autosomal dominant ACAN-related conditions (PMID: 32658585; Invitae). It has also been observed to segregate with disease in related individuals. An algorithm developed to predict the effect of missense changes on protein structure and function (PolyPhen-2) suggests that this variant¬†is likely to be tolerated. Variants that disrupt the consensus splice site are a relatively common cause of aberrant splicing (PMID: 17576681, 9536098). Algorithms developed to predict the effect of sequence changes on RNA splicing suggest that this variant may disrupt the consensus splice site. In summary, the currently available evidence indicates that the variant is pathogenic, but additional data are needed to prove that conclusively. Therefore, this variant has been classified as Likely Pathogenic.

Literature cited by the submitters: PubMed 32658585; PubMed 17576681; PubMed 9536098.